The following is an entry in ClinVar:

NM_004727.3(SLC24A1):c.3077C>T (p.Ser1026Phe)

Gene: SLC24A1 (solute carrier family 24 member 1; plus strand). Cytogenetic location: 15q22.31.
Variant type: single nucleotide variant.
Coding change: c.3077C>T on transcript NM_004727.3 (MANE Select); coding-DNA position 3077, C replaced by T.
Protein change: p.Ser1026Phe; replaces serine 1026 with phenylalanine.
Molecular consequence: missense variant. On other transcripts: intron variant (1).
Genome position (GRCh38, 1-based): chr15:65,653,856, C>T. VCF-style: chr15-65653856-C-T. GRCh37 (hg19) VCF-style: chr15-65946194-C-T.
Other names: c.1058C>T, p.Ser353Phe (NM_001254740.2); c.2987C>T, p.Ser996Phe (NM_001301031.1); c.3023C>T, p.Ser1008Phe (NM_001301032.1); c.2996+1048C>T (NM_001301033.2); short protein forms S1008F, S353F, S1026F, S996F.
Identifiers: ClinVar variation 852476 (VCV000852476.10), dbSNP rs781400097, ClinGen allele CA7620321.

ClinVar aggregate classification (germline): Uncertain significance. Review status: criteria provided, multiple submitters, no conflicts (2 of 4 stars). 2 submissions from 2 submitters: Uncertain significance (2). Last evaluated 2025-11-11.

Conditions:
Inborn genetic diseases. Identifiers: MedGen C0950123, MeSH D030342.

Allele frequency attached by ClinVar (database versions not stated): ExAC 0.00001.
gnomAD v4.1: 3 of 1,613,808 alleles (0.00019%); highest among the groups gnomAD compares: Admixed American, 0.0017%; no homozygotes.

Submissions (2):

Ambry Genetics
Classification: Uncertain significance for Inborn genetic diseases. Last evaluated: 2025-11-11. Review status: criteria provided, single submitter. Criteria: Ambry Variant Classification Scheme 2023. Collection method: clinical testing. Allele origin: germline.

Labcorp Genetics (formerly Invitae), Labcorp
Classification: Uncertain significance. Last evaluated: 2019-12-28. Review status: criteria provided, single submitter. Criteria: Invitae Variant Classification Sherloc (09022015). Collection method: clinical testing. Allele origin: germline.
Comment: In summary, the available evidence is currently insufficient to determine the role of this variant in disease. Therefore, it has been classified as a Variant of Uncertain Significance. Algorithms developed to predict the effect of missense changes on protein structure and function are either unavailable or do not agree on the potential impact of this missense change (SIFT: "Tolerated"; PolyPhen-2: "Probably Damaging"; Align-GVGD: "Class C0"). This variant has not been reported in the literature in individuals with SLC24A1-related conditions. This variant is present in population databases (rs781400097, ExAC 0.009%). This sequence change replaces serine with phenylalanine at codon 1026 of the SLC24A1 protein (p.Ser1026Phe). The serine residue is moderately conserved and there is a large physicochemical difference between serine and phenylalanine.